The following is an entry in ClinVar:

NM_000051.4(ATM):c.2885C>T (p.Pro962Leu)

Gene: ATM (ATM serine/threonine kinase; plus strand). Cytogenetic location: 11q22.3.
Variant type: single nucleotide variant.
Coding change: c.2885C>T on transcript NM_000051.4 (MANE Select); coding-DNA position 2885, C replaced by T.
Protein change: p.Pro962Leu; replaces proline 962 with leucine.
Molecular consequence: missense variant.
Genome position (GRCh38, 1-based): chr11:108,271,110, C>T. VCF-style: chr11-108271110-C-T. GRCh37 (hg19) VCF-style: chr11-108141837-C-T.
Other names: c.2885C>T, p.Pro962Leu (NM_001351834.2); short protein forms P962L.
Identifiers: ClinVar variation 821934 (VCV000821934.12), dbSNP rs1591602470, ClinGen allele CA382546874.

ClinVar aggregate classification (germline): Uncertain significance. Review status: criteria provided, multiple submitters, no conflicts (2 of 4 stars). 2 submissions from 2 submitters: Uncertain significance (2). Last evaluated 2021-03-07.

Conditions:
Ataxia-telangiectasia syndrome (AT). Also called: Cerebello-oculocutaneous telangiectasia; Immunodeficiency with ataxia telangiectasia; Ataxia-telangiectasia, complementation group E; Ataxia-telangiectasia, complementation group D; AT, COMPLEMENTATION GROUP C; ATAXIA-TELANGIECTASIA, COMPLEMENTATION GROUP A. Identifiers: Orphanet 100, MedGen C0004135, MONDO:0008840, OMIM 208900.
Hereditary cancer-predisposing syndrome. Also called: Hereditary Cancer Syndrome; Neoplastic Syndromes, Hereditary; Hereditary neoplastic syndrome; Tumor predisposition. Identifiers: Orphanet 140162, MedGen C0027672, MeSH D009386, MONDO:0015356.

Submissions (2):

Labcorp Genetics (formerly Invitae), Labcorp
Classification: Uncertain significance for Ataxia-telangiectasia syndrome. Last evaluated: 2021-03-07. Review status: criteria provided, single submitter. Criteria: Invitae Variant Classification Sherloc (09022015). Collection method: clinical testing. Allele origin: germline.
Comment: In summary, the available evidence is currently insufficient to determine the role of this variant in disease. Therefore, it has been classified as a Variant of Uncertain Significance. Advanced modeling of protein sequence and biophysical properties (such as structural, functional, and spatial information, amino acid conservation, physicochemical variation, residue mobility, and thermodynamic stability) performed at Invitae indicates that this missense variant is not expected to disrupt ATM protein function. This variant has not been reported in the literature in individuals with ATM-related conditions. ClinVar contains an entry for this variant (Variation ID: 821934). This variant is not present in population databases (ExAC no frequency). This sequence change replaces proline with leucine at codon 962 of the ATM protein (p.Pro962Leu). The proline residue is moderately conserved and there is a moderate physicochemical difference between proline and leucine.

Ambry Genetics
Classification: Uncertain significance for Hereditary cancer-predisposing syndrome. Last evaluated: 2021-02-10. Review status: criteria provided, single submitter. Criteria: Ambry Variant Classification Scheme 2023. Collection method: clinical testing. Allele origin: germline.
Comment: The p.P962L variant (also known as c.2885C>T), located in coding exon 18 of the ATM gene, results from a C to T substitution at nucleotide position 2885. The proline at codon 962 is replaced by leucine, an amino acid with similar properties. This amino acid position is well conserved in available vertebrate species. In addition, this alteration is predicted to be tolerated by in silico analysis. Since supporting evidence is limited at this time, the clinical significance of this alteration remains unclear.